The following is an entry in ClinVar:

NM_001282531.3(ADNP):c.517C>T (p.Arg173Ter)

Gene: ADNP (activity dependent neuroprotector homeobox; minus strand). Cytogenetic location: 20q13.13.
Variant type: single nucleotide variant.
Coding change: c.517C>T on transcript NM_001282531.3 (MANE Select); coding-DNA position 517, C replaced by T.
Protein change: p.Arg173Ter; replaces arginine 173 with a stop codon.
Molecular consequence: nonsense.
Genome position (GRCh38, 1-based): chr20:50,894,197, G>A on the plus strand (C>T on the coding strand, the complement: ADNP is on the minus strand). VCF-style: chr20-50894197-G-A. GRCh37 (hg19) VCF-style: chr20-49510734-G-A.
Other names: c.517C>T, p.Arg173Ter (NM_001282532.2, NM_001347511.2, NM_015339.5 and 1 more transcripts); short protein forms R173*.
Identifiers: ClinVar variation 431117 (VCV000431117.5), dbSNP rs1135401791, ClinGen allele CA408977537.
Genomic context (GRCh38, chr20:50,894,197, plus strand): 5'-CCACATGCTGAAAATGTTCCCTGTAAATGTGCTTCCTAACTATTTCATAAAGAGGATCTC[G>A]GTAAGTGCACTTCTTACAGTAATAAACAGCTTGCTCTACACTGTCAGCCTGCTTAGGTTT-3'

ClinVar aggregate classification (germline): Pathogenic. Review status: criteria provided, multiple submitters, no conflicts (2 of 4 stars). 4 submissions from 4 submitters: Pathogenic (4). Last evaluated 2023-07-13.

Conditions:
ADNP-related multiple congenital anomalies - intellectual disability - autism spectrum disorder. Also called: Helsmoortel-Van der Aa Syndrome; ADNP-Related Helsmoortel-Van der Aa Syndrome. Identifiers: Orphanet 404448, MedGen C4014538, MONDO:0014379, OMIM 615873. Disease mechanism: loss of function.

Submissions (4):

3billion
Classification: Pathogenic for ADNP-related multiple congenital anomalies - intellectual disability - autism spectrum disorder. Last evaluated: 2023-07-13. Review status: criteria provided, single submitter. Criteria: ACMG Guidelines, 2015. Collection method: clinical testing. Allele origin: germline. Affected: yes.
Comment: The variant is not observed in the gnomAD v2.1.1 dataset. Predicted Consequence/Location: Stop-gained (nonsense): predicted to result in a loss or disruption of normal protein function through protein truncation. The predicted truncated protein may be shortened by more than 10%. The variant has been previously reported as de novo in a similarly affected individual (PMID: 28708303). The variant has been reported at least twice as pathogenic with clinical assertions and evidence for the classification (ClinVar ID: VCV000431117 /PMID: 28708303). Therefore, this variant is classified as Pathogenic according to the recommendation of ACMG/AMP guideline.

HudsonAlpha Institute for Biotechnology
Classification: Pathogenic for ADNP-related multiple congenital anomalies - intellectual disability - autism spectrum disorder. Last evaluated: 2020-03-27. Review status: criteria provided, single submitter. Criteria: ACMG Guidelines, 2015. Collection method: research. Allele origin: de novo. Affected: yes. Observed: 1 variant allele. Study: HudsonAlpha-AGHI-WGS.
Comment: ACMG codes:PVS1, PS2, PS4, PM2

GeneDx
Classification: Pathogenic. Last evaluated: 2019-03-04. Review status: criteria provided, single submitter. Criteria: GeneDx Variant Classification (06012015). Collection method: clinical testing. Allele origin: germline. Affected: yes.
Comment: The R173X nonsense variant in the ADNP gene has been previously reported in association with HVDAS (Cherot et al., 2018). This pathogenic variant is predicted to cause loss of normal protein function through protein truncation as the last 930 amino acid residues of the ADNP protein are lost. The R173X variant is not observed in large population cohorts (Lek et al., 2016). Therefore, R173X is considered a pathogenic variant.

Groupe Hospitalier Pitie Salpetriere, Uf Genomique Du Developpement, Assistance Publique Hopitaux de Paris Sorbonne Université
Classification: Pathogenic for Helsmoortel-van der Aa syndrome. Last evaluated: 2017-01-06. Review status: criteria provided, single submitter. Criteria: ACMG Guidelines, 2015. Collection method: clinical testing. Allele origin: de novo. Affected: yes. Observed: 1 variant allele.
Comment: Intellectual disability

Literature cited by the submitters: PubMed 28708303 (cited by 3billion and Groupe Hospitalier Pitie Salpetriere, Uf Genomique Du Developpement, Assistance Publique Hopitaux de Paris Sorbonne Université).